The following is an entry in ClinVar:

NM_001142864.4(PIEZO1):c.4289_4291delinsTGC (p.Glu1430_Ala1431delinsValPro)

Gene: PIEZO1 (piezo type mechanosensitive ion channel component 1 (Er blood group); minus strand). Cytogenetic location: 16q24.3.
Variant type: Indel.
Coding change: c.4289_4291delinsTGC on transcript NM_001142864.4 (MANE Select); coding-DNA positions 4289 to 4291, AGG replaced by TGC.
Protein change: p.Glu1430_Ala1431delinsValPro.
Molecular consequence: missense variant.
Genome position (GRCh38, 1-based): chr16:88,723,915-88,723,917, CCT replaced by GCA on the plus strand (AGG replaced by TGC on the coding strand, the reverse complement: PIEZO1 is on the minus strand). VCF-style: chr16-88723915-CCT-GCA. GRCh37 (hg19) VCF-style: chr16-88790323-CCT-GCA.
Identifiers: ClinVar variation 3368704 (VCV003368704.1).

ClinVar aggregate classification (germline): Uncertain significance (1 of 4 stars; one submission).

Submission:

GeneDx
Classification: Uncertain significance. Last evaluated: 2024-01-31. Review status: criteria provided, single submitter. Criteria: GeneDx Variant Classification Process June 2021. Collection method: clinical testing. Allele origin: germline. Affected: yes.
Comment: In silico analysis supports that this variant does not alter protein structure/function; Has not been previously published as pathogenic or benign to our knowledge